The following is an entry in ClinVar:

NM_130384.3(ATRIP):c.1264C>A (p.Leu422Ile)

Genes: ATRIP (ATR interacting protein; plus strand), ATRIP-TREX1 (ATRIP-TREX1 readthrough; plus strand). Cytogenetic location: 3p21.31.
Variant type: single nucleotide variant.
Coding change: c.1264C>A on transcript NM_130384.3 (MANE Select); coding-DNA position 1264, C replaced by A.
Protein change: p.Leu422Ile; replaces leucine 422 with isoleucine.
Molecular consequence: missense variant. On other transcripts: non-coding transcript variant (1).
Genome position (GRCh38, 1-based): chr3:48,460,318, C>A. VCF-style: chr3-48460318-C-A. GRCh37 (hg19) VCF-style: chr3-48501717-C-A.
Other names: c.883C>A, p.Leu295Ile (NM_001271022.2); c.985C>A, p.Leu329Ile (NM_001271023.2); c.1264C>A, p.Leu422Ile (NM_032166.4); short protein forms L295I, L329I, L422I.
Identifiers: ClinVar variation 3976326 (VCV003976326.1).
Genomic context (GRCh38, chr3:48,460,318, plus strand): 5'-GAGGGAGGCAGAAGGGCCTTCCCACTCTGCCAGCTTCCTGGAGCCGTGCATTTCCTCCCC[C>A]TTGTACAGTTCTTCATCGGCTTACACTGCCAGGCCCTGCAGGACTTGGCAGCTGCTAAGA-3'
Protein context (NP_569055.1, residues 412-432): QLPGAVHFLP[Leu422Ile]VQFFIGLHCQ

ClinVar aggregate classification (germline): Uncertain significance (1 of 4 stars; one submission).

gnomAD v4.1: 4 of 1,613,746 alleles (0.00025%); highest among the groups gnomAD compares: African/African-American, 0.0053%; no homozygotes.

Submission:

Ambry Genetics
Classification: Uncertain significance. Last evaluated: 2025-04-24. Review status: criteria provided, single submitter. Criteria: Ambry Variant Classification Scheme 2023. Collection method: clinical testing. Allele origin: germline.
Comment: The p.L422I variant (also known as c.1264C>A), located in coding exon 8 of the ATRIP gene, results from a C to A substitution at nucleotide position 1264. The leucine at codon 422 is replaced by isoleucine, an amino acid with highly similar properties. This amino acid position is conserved. In addition, the in silico prediction for this alteration is inconclusive. Based on the available evidence, the clinical significance of this variant remains unclear.